The following is an entry in ClinVar:

NM_000215.4(JAK3):c.566+6_566+41del

Gene: JAK3 (Janus kinase 3; minus strand). Cytogenetic location: 19p13.11.
Variant type: Deletion.
Coding change: c.566+6_566+41del on transcript NM_000215.4 (MANE Select); bases 6 to 41 of the intron after coding-DNA position 566, 36 bases deleted.
Molecular consequence: intron variant.
Genome position (GRCh38, 1-based): chr19:17,842,986-17,843,021, 36 bases deleted; deleting any 36 consecutive bases within chr19:17,842,986-17,843,024 gives the same sequence; the c. name uses the placement nearest the transcript's 3' end. GRCh37 (hg19): chr19:17,953,798-17,953,833.
Other names: c.566+6_566+41delAGCCACCAGGCTGTGGGGACGGCCTCTGCTTGGGAG (NM_000215.3); c.566+6_566+41del36 (NM_000215.3).
Identifiers: ClinVar variation 420884 (VCV000420884.5), dbSNP rs754402855, ClinGen allele CA9302133.

ClinVar aggregate classification (germline): Conflicting classifications of pathogenicity. Review status: criteria provided, conflicting classifications (1 of 4 stars). 3 submissions from 3 submitters: Uncertain significance (2); Likely benign (1). Last evaluated 2022-07-11.

Conditions:
T-B+ severe combined immunodeficiency due to JAK3 deficiency. Also called: SCID, T CELL-NEGATIVE, B CELL-POSITIVE, NK CELL-NEGATIVE; SCID, autosomal recessive, T-negative/B-positive type. Identifiers: Orphanet 35078, MedGen C1833275, MONDO:0010938, OMIM 600802.

Submissions (3):

Labcorp Genetics (formerly Invitae), Labcorp
Classification: Uncertain significance for T-B+ severe combined immunodeficiency due to JAK3 deficiency. Last evaluated: 2022-07-11. Review status: criteria provided, single submitter. Criteria: Invitae Variant Classification Sherloc (09022015). Collection method: clinical testing. Allele origin: germline.
Comment: This sequence change falls in intron 5 of the JAK3 gene. It does not directly change the encoded amino acid sequence of the JAK3 protein. It affects a nucleotide within the consensus splice site. This variant is present in population databases (rs754402855, gnomAD 0.009%). This variant has not been reported in the literature in individuals affected with JAK3-related conditions. ClinVar contains an entry for this variant (Variation ID: 420884). Variants that disrupt the consensus splice site are a relatively common cause of aberrant splicing (PMID: 17576681, 9536098). Algorithms developed to predict the effect of sequence changes on RNA splicing suggest that this variant is not likely to affect RNA splicing. In summary, the available evidence is currently insufficient to determine the role of this variant in disease. Therefore, it has been classified as a Variant of Uncertain Significance.

Center for Genomics, Ann and Robert H. Lurie Children's Hospital of Chicago
Classification: Uncertain significance for T-B+ severe combined immunodeficiency due to JAK3 deficiency. Last evaluated: 2021-03-30. Review status: criteria provided, single submitter. Criteria: ACMG Guidelines, 2015. Collection method: clinical testing. Allele origin: germline.
Comment: JAK3 NM_000215.3 intron 5 c.566+6_566+41del: This variant has not been reported in the literature but is present in 0.009% (10/109056) of European alleles in the Genome Aggregation Database. This variant is present in ClinVar (Variation ID:420884). Evolutionary conservation and computational predictive tools for this variant are limited or unavailable. This variant is a deletion of 36 nucleotides within the intronic region; splice prediction tools do not suggest that this variant may affect splicing. However, further studies are needed to understand its impact. In summary, data on this variant is insufficient for disease classification. Therefore, the clinical significance of this variant is uncertain.

GeneDx
Classification: Likely benign. Last evaluated: 2016-04-13. Review status: criteria provided, single submitter. Criteria: GeneDx Variant Classification (06012015). Collection method: clinical testing. Allele origin: germline. Affected: yes.
Comment: This variant is considered likely benign or benign based on one or more of the following criteria: it is a conservative change, it occurs at a poorly conserved position in the protein, it is predicted to be benign by multiple in silico algorithms, and/or has population frequency not consistent with disease.

Literature cited by the submitters: PubMed 17576681 (cited by Labcorp Genetics (formerly Invitae), Labcorp); PubMed 9536098 (cited by Labcorp Genetics (formerly Invitae), Labcorp).